The following is an entry in ClinVar:

NM_014516.4(CNOT3):c.1959A>C (p.Pro653=)

Gene: CNOT3 (CCR4-NOT transcription complex subunit 3; plus strand). Cytogenetic location: 19q13.42.
Variant type: single nucleotide variant.
Coding change: c.1959A>C on transcript NM_014516.4 (MANE Select); coding-DNA position 1959, A replaced by C.
Protein change: p.Pro653=; no amino-acid change (proline 653 retained).
Molecular consequence: synonymous variant.
Genome position (GRCh38, 1-based): chr19:54,152,921, A>C. VCF-style: chr19-54152921-A-C. GRCh37 (hg19) VCF-style: chr19-54656658-A-C.
Identifiers: ClinVar variation 2650420 (VCV002650420.24), dbSNP rs1600504467, ClinGen allele CA997134349.

ClinVar aggregate classification (germline): Likely benign (1 of 4 stars; one submission).

Submission:

CeGaT Center for Human Genetics Tuebingen
Classification: Likely benign. Last evaluated: 2023-08-01. Review status: criteria provided, single submitter. Criteria: CeGaT Center For Human Genetics Tuebingen Variant Classification Criteria Version 2. Collection method: clinical testing. Allele origin: germline. Affected: yes. Observed: 1 variant allele.
Comment: CNOT3: BP4, BP7